The following is an entry in ClinVar:

ClinVar aggregate classification (germline): Uncertain significance. Review status: criteria provided, multiple submitters, no conflicts (2 of 4 stars). 2 submissions from 2 submitters: Uncertain significance (2). Last evaluated 2025-09-25.

Allele frequency attached by ClinVar (database versions not stated): ExAC 0.00001; gnomAD 0.00001; gnomAD exomes 0.00001.
gnomAD v4.1: 10 of 1,613,876 alleles (0.00062%); highest among the groups gnomAD compares: Admixed American, 0.0017%; no homozygotes.

Submissions (2):

Ambry Genetics
Classification: Uncertain significance. Last evaluated: 2025-09-25. Review status: criteria provided, single submitter. Criteria: Ambry Variant Classification Scheme 2023. Collection method: clinical testing. Allele origin: germline.

Labcorp Genetics (formerly Invitae), Labcorp
Classification: Uncertain significance. Last evaluated: 2023-06-22. Review status: criteria provided, single submitter. Criteria: Invitae Variant Classification Sherloc (09022015). Collection method: clinical testing. Allele origin: germline.
Comment: In summary, the available evidence is currently insufficient to determine the role of this variant in disease. Therefore, it has been classified as a Variant of Uncertain Significance. Advanced modeling of protein sequence and biophysical properties (such as structural, functional, and spatial information, amino acid conservation, physicochemical variation, residue mobility, and thermodynamic stability) performed at Invitae indicates that this missense variant is expected to disrupt SLC10A2 protein function. This variant has not been reported in the literature in individuals affected with SLC10A2-related conditions. This variant is present in population databases (rs753750767, gnomAD 0.003%). This sequence change replaces glycine, which is neutral and non-polar, with tryptophan, which is neutral and slightly polar, at codon 241 of the SLC10A2 protein (p.Gly241Trp).

NM_000452.3(SLC10A2):c.721G>T (p.Gly241Trp)

Gene: SLC10A2 (solute carrier family 10 member 2; minus strand). Cytogenetic location: 13q33.1.
Variant type: single nucleotide variant.
Coding change: c.721G>T on transcript NM_000452.3 (MANE Select); coding-DNA position 721, G replaced by T.
Protein change: p.Gly241Trp; replaces glycine 241 with tryptophan.
Molecular consequence: missense variant.
Genome position (GRCh38, 1-based): chr13:103,051,297, C>A on the plus strand (G>T on the coding strand, the complement: SLC10A2 is on the minus strand). VCF-style: chr13-103051297-C-A. GRCh37 (hg19) VCF-style: chr13-103703647-C-A.
Other names: c.721G>T (NM_000452.2); short protein forms G241W.
Identifiers: ClinVar variation 2783586 (VCV002783586.4), dbSNP rs753750767, ClinGen allele CA7042082.